The following is an entry in ClinVar:

NM_001365088.1(SLC12A6):c.1065C>G (p.Ile355Met)

Gene: SLC12A6 (solute carrier family 12 member 6; minus strand). Cytogenetic location: 15q14.
Variant type: single nucleotide variant.
Coding change: c.1065C>G on transcript NM_001365088.1 (MANE Select); coding-DNA position 1065, C replaced by G.
Protein change: p.Ile355Met; replaces isoleucine 355 with methionine.
Molecular consequence: missense variant.
Genome position (GRCh38, 1-based): chr15:34,254,401, G>C on the plus strand (C>G on the coding strand, the complement: SLC12A6 is on the minus strand). VCF-style: chr15-34254401-G-C. GRCh37 (hg19) VCF-style: chr15-34546602-G-C.
Other names: c.912C>G, p.Ile304Met (NM_005135.2); c.1065C>G, p.Ile355Met (NM_133647.2); c.888C>G, p.Ile296Met (NM_001042494.2, NM_001042495.2); c.1038C>G, p.Ile346Met (NM_001042496.2); c.1020C>G, p.Ile340Met (NM_001042497.2); short protein forms I296M, I304M, I340M, I346M, I355M.
Identifiers: ClinVar variation 991880 (VCV000991880.4), dbSNP rs1229903219, ClinGen allele CA391608755.

ClinVar aggregate classification (germline): Uncertain significance. Review status: criteria provided, single submitter (1 of 4 stars). 2 submissions from 2 submitters: Uncertain significance (1). 1 of the submissions does not count toward it. Last evaluated 2024-06-29.

Conditions:
Agenesis of the corpus callosum with peripheral neuropathy (ACCPN). Also called: Hereditary Motor and Sensory Neuropathy with Agenesis of the Corpus Callosum; POLYNEUROPATHY, SENSORIMOTOR, WITH OR WITHOUT AGENESIS OF THE CORPUS CALLOSUM; HMSN/ACC; CHARLEVOIX DISEASE. Identifiers: Orphanet 1496, MedGen C0795950, MONDO:0000902, OMIM 218000. Disease mechanism: loss of function.

Allele frequency attached by ClinVar (database versions not stated): gnomAD exomes below 0.00001; TOPMed below 0.00001; gnomAD 0.00001.
gnomAD v4.1: 9 of 1,613,306 alleles (0.00056%); highest among the groups gnomAD compares: Non-Finnish European, 0.00076%; no homozygotes.

Submissions (2):

Labcorp Genetics (formerly Invitae), Labcorp
Classification: Uncertain significance. Last evaluated: 2024-06-29. Review status: criteria provided, single submitter. Criteria: Invitae Variant Classification Sherloc (09022015). Collection method: clinical testing. Allele origin: germline.
Comment: This sequence change replaces isoleucine, which is neutral and non-polar, with methionine, which is neutral and non-polar, at codon 355 of the SLC12A6 protein (p.Ile355Met). This variant is present in population databases (no rsID available, gnomAD 0.002%). This variant has not been reported in the literature in individuals affected with SLC12A6-related conditions. ClinVar contains an entry for this variant (Variation ID: 991880). Advanced modeling of protein sequence and biophysical properties (such as structural, functional, and spatial information, amino acid conservation, physicochemical variation, residue mobility, and thermodynamic stability) performed at Invitae indicates that this missense variant is expected to disrupt SLC12A6 protein function with a positive predictive value of 80%. In summary, the available evidence is currently insufficient to determine the role of this variant in disease. Therefore, it has been classified as a Variant of Uncertain Significance.

Natera, Inc.
Classification: Uncertain significance for Andermann syndrome. Last evaluated: 2020-04-18. Review status: no assertion criteria provided. Collection method: clinical testing. Allele origin: germline. Not counted in ClinVar's aggregate classification.